The following is an entry in ClinVar:

ClinVar aggregate classification (germline): Pathogenic/Likely pathogenic. Review status: criteria provided, multiple submitters, no conflicts (2 of 4 stars). 7 submissions from 7 submitters: Pathogenic (4); Likely pathogenic (1). 2 of the submissions do not count toward it. Last evaluated 2025-12-13.

Conditions:
SEC23B-related disorder. Also called: SEC23B-related condition; SEC23B-related disorders.
Cowden syndrome 7 (CWS7). Identifiers: Orphanet 201, MedGen C4225179, MONDO:0014802, OMIM 616858.
Congenital dyserythropoietic anemia, type II (CDAN2). Also called: DYSERYTHROPOIETIC ANEMIA, HEMPAS TYPE. Identifiers: Orphanet 98873, MedGen C1306589, MONDO:0009134, OMIM 224100.

Allele frequency attached by ClinVar (database versions not stated): gnomAD exomes 0.00002 and 0.00004; TOPMed 0.00002; ExAC 0.00003; gnomAD 0.00003 and 0.00004.
gnomAD v4.1: 34 of 1,613,952 alleles (0.0021%); highest among the groups gnomAD compares: East Asian, 0.0045%; no homozygotes.

Submissions (7):

Labcorp Genetics (formerly Invitae), Labcorp
Classification: Pathogenic for Congenital dyserythropoietic anemia, type II; Cowden syndrome 7. Last evaluated: 2025-12-13. Review status: criteria provided, single submitter. Criteria: Invitae Variant Classification Sherloc (09022015). Collection method: clinical testing. Allele origin: germline.
Comment: This sequence change creates a premature translational stop signal (p.Arg324*) in the SEC23B gene. It is expected to result in an absent or disrupted protein product. Loss-of-function variants in SEC23B are known to be pathogenic (PMID: 19561605, 25044164). This variant is present in population databases (rs121918225, gnomAD 0.009%). This premature translational stop signal has been observed in individual(s) with congenital dyserythropoietic anemia type 2 (PMID: 19561605). ClinVar contains an entry for this variant (Variation ID: 1226). For these reasons, this variant has been classified as Pathogenic.

Blueprint Genetics
Classification: Pathogenic for SEC23B-related disorders. Last evaluated: 2024-09-12. Review status: criteria provided, single submitter. Criteria: ACMG Guidelines, 2015. Collection method: clinical testing. Allele origin: germline. Affected: yes. Observed: 5 variant alleles.

Fulgent Genetics
Classification: Likely pathogenic for Congenital dyserythropoietic anemia, type II; Cowden syndrome 7. Last evaluated: 2024-05-14. Review status: criteria provided, single submitter. Criteria: ACMG Guidelines, 2015. Collection method: clinical testing. Allele origin: germline.

ARUP Laboratories, Molecular Genetics and Genomics, ARUP Laboratories
Classification: Pathogenic. Last evaluated: 2023-03-09. Review status: criteria provided, single submitter. Criteria: ARUP Molecular Germline Variant Investigation Process 2024. Collection method: clinical testing. Allele origin: germline.
Comment: The SEC23B c.970C>T; p.Arg324Ter variant (rs121918225) is reported in the literature as a compound heterozygous variant in an individual affected with congenital dyserythropoietic anemia type II (Schwarz 2009). This variant is also reported in ClinVar (Variation ID: 1226). This variant is found predominantly in the non-Finnish European population with an allele frequency of 0.009% (12/129050 alleles) in the Genome Aggregation Database. This variant induces an early termination codon and is predicted to result in a truncated protein or mRNA subject to nonsense-mediated decay. Based on available information, this variant is considered to be pathogenic. REFERENCES Schwarz K et al. Mutations affecting the secretory COPII coat component SEC23B cause congenital dyserythropoietic anemia type II. Nature genetics. 2009 Aug. PMID: 19561605

Revvity Omics, Revvity
Classification: Pathogenic. Last evaluated: 2022-11-29. Review status: criteria provided, single submitter. Criteria: ACMG Guidelines, 2015. Collection method: clinical testing. Allele origin: germline.

OMIM
Classification: Pathogenic for ANEMIA, CONGENITAL DYSERYTHROPOIETIC, TYPE II. Last evaluated: 2009-08-01. Review status: no assertion criteria provided. Collection method: literature only. Allele origin: germline. Not counted in ClinVar's aggregate classification.

NIHR Bioresource Rare Diseases, University of Cambridge
Classification: Likely pathogenic for Congenital dyserythropoietic anemia, type II. Review status: no assertion criteria provided. Collection method: research. Allele origin: unknown. Affected: yes. Observed: 1 variant allele. Not counted in ClinVar's aggregate classification.

Literature cited by the submitters: PubMed 19561605 (cited by Labcorp Genetics (formerly Invitae), Labcorp and OMIM); PubMed 25044164 (cited by Labcorp Genetics (formerly Invitae), Labcorp); PubMed 32581362 (cited by NIHR Bioresource Rare Diseases, University of Cambridge).

NM_006363.6(SEC23B):c.970C>T (p.Arg324Ter)

Gene: SEC23B (SEC23 homolog B, COPII component; plus strand). Cytogenetic location: 20p11.23.
Variant type: single nucleotide variant.
Coding change: c.970C>T on transcript NM_006363.6 (MANE Select); coding-DNA position 970, C replaced by T.
Protein change: p.Arg324Ter; replaces arginine 324 with a stop codon.
Molecular consequence: nonsense.
Genome position (GRCh38, 1-based): chr20:18,526,508, C>T. VCF-style: chr20-18526508-C-T. GRCh37 (hg19) VCF-style: chr20-18507152-C-T.
Other names: c.970C>T, p.Arg324Ter (NM_001172745.3, NM_032985.6, NM_032986.5); c.916C>T, p.Arg306Ter (NM_001172746.3); short protein forms R324*, R306*.
Identifiers: ClinVar variation 1226 (VCV000001226.13), dbSNP rs121918225, ClinGen allele CA114853.
Genomic context (GRCh38, chr20:18,526,508, plus strand): 5'-GTTGGAGATGAATTAAAGATTCCTATTCGTTCTTGGCATGATATTGAGAAAGATAATGCA[C>T]GATTCATGAAAAAGGCAACCAAGGTAGGTGCTCTTGGGTATGGGCTGTAATTCTGAAAGC-3'